The following is an entry in ClinVar:

ClinVar aggregate classification (germline): Uncertain significance (1 of 4 stars; one submission).

Conditions:
CREBBP-related disorder. Also called: CREBBP-related disorders; CREBBP-related condition.

gnomAD v4.1: 1 of 1,614,244 alleles (0.000062%); highest among the groups gnomAD compares: South Asian, 0.0011%; no homozygotes.

Submission:

PreventionGenetics, part of Exact Sciences
Classification: Uncertain significance for CREBBP-related condition. Last evaluated: 2026-05-14. Review status: criteria provided, single submitter. Criteria: ACMG Guidelines, 2015. Collection method: clinical testing. Allele origin: germline.
Comment: The CREBBP c.4733G>T variant is predicted to result in the amino acid substitution p.Ser1578Ile. To our knowledge, this variant has not been reported in the literature. This variant is reported in 0.0033% of alleles in individuals of South Asian descent in gnomAD. At this time, the clinical significance of this variant is uncertain due to the absence of conclusive functional and genetic evidence.

NM_004380.3(CREBBP):c.4733G>T (p.Ser1578Ile)

Gene: CREBBP (CREB binding lysine acetyltransferase; minus strand). Cytogenetic location: 16p13.3.
Variant type: single nucleotide variant.
Coding change: c.4733G>T on transcript NM_004380.3 (MANE Select); coding-DNA position 4733, G replaced by T.
Protein change: p.Ser1578Ile; replaces serine 1578 with isoleucine.
Molecular consequence: missense variant.
Genome position (GRCh38, 1-based): chr16:3,731,933, C>A on the plus strand (G>T on the coding strand, the complement: CREBBP is on the minus strand). VCF-style: chr16-3731933-C-A. GRCh37 (hg19) VCF-style: chr16-3781934-C-A.
Other names: c.4619G>T, p.Ser1540Ile (NM_001079846.1); short protein forms S1578I, S1540I.
Identifiers: ClinVar variation 4994471 (VCV004994471.1).